The following is an entry in ClinVar:

ClinVar aggregate classification (germline): Uncertain significance (1 of 4 stars; one submission).

Conditions:
Inborn genetic diseases. Identifiers: MedGen C0950123, MeSH D030342.

gnomAD v4.1: 2 of 1,614,162 alleles (0.00012%); highest among the groups gnomAD compares: Non-Finnish European, 0.00017%; no homozygotes.

Submission:

Ambry Genetics
Classification: Uncertain significance for Inborn genetic diseases. Last evaluated: 2025-10-22. Review status: criteria provided, single submitter. Criteria: Ambry Variant Classification Scheme 2023. Collection method: clinical testing. Allele origin: germline.
Comment: The p.N728D variant (also known as c.2182A>G), located in coding exon 12 of the BMPR2 gene, results from an A to G substitution at nucleotide position 2182. The asparagine at codon 728 is replaced by aspartic acid, an amino acid with highly similar properties. This amino acid position is conserved. In addition, the in silico prediction for this alteration is inconclusive. Based on the available evidence, the clinical significance of this variant remains unclear.

NM_001204.7(BMPR2):c.2182A>G (p.Asn728Asp)

Gene: BMPR2 (bone morphogenetic protein receptor type 2; plus strand). Cytogenetic location: 2q33.2.
Variant type: single nucleotide variant.
Coding change: c.2182A>G on transcript NM_001204.7 (MANE Select); coding-DNA position 2182, A replaced by G.
Protein change: p.Asn728Asp; replaces asparagine 728 with aspartic acid.
Molecular consequence: missense variant.
Genome position (GRCh38, 1-based): chr2:202,555,847, A>G. VCF-style: chr2-202555847-A-G. GRCh37 (hg19) VCF-style: chr2-203420570-A-G.
Other names: short protein forms N728D.
Identifiers: ClinVar variation 4597443 (VCV004597443.1).